The following is an entry in ClinVar:

NM_000038.6(APC):c.1950_1952del (p.Glu650del)

Gene: APC (APC regulator of Wnt signaling pathway; plus strand). Cytogenetic location: 5q22.2.
Variant type: Deletion.
Coding change: c.1950_1952del on transcript NM_000038.6 (MANE Select); coding-DNA positions 1950 to 1952, 3 bases deleted (GGA; older notation c.1950_1952delGGA).
Protein change: p.Glu650del; deletes glutamic acid 650.
Molecular consequence: inframe deletion. On other transcripts: non-coding transcript variant (2).
Genome position (GRCh38, 1-based): chr5:112,835,157-112,835,159, GGA deleted; deleting any 3 consecutive bases within chr5:112,835,155-112,835,159 gives the same sequence; the c. name uses the placement nearest the transcript's 3' end. VCF-style (leftmost placement, unchanged base first): chr5-112835154-TGAG-T. GRCh37 (hg19) VCF-style: chr5-112170851-TGAG-T.
Other names: c.1950_1952del, p.Glu650del (NM_001127510.3, NM_001354895.2, NM_001407450.1); c.1896_1898del, p.Glu632del (NM_001127511.3); c.2004_2006del, p.Glu668del (NM_001354896.2, NM_001407447.1, NM_001407448.1 and 1 more transcripts); c.1980_1982del, p.Glu660del (NM_001354897.2); c.1875_1877del, p.Glu625del (NM_001354898.2); c.1866_1868del, p.Glu622del (NM_001354899.2); c.1827_1829del, p.Glu609del (NM_001354900.2); c.1773_1775del, p.Glu591del (NM_001354901.2, NM_001407453.1); and 11 more; short protein forms E266del, E367del, E490del, E521del, E524del, E549del, E559del, E567del.
Identifiers: ClinVar variation 4861718 (VCV004861718.1).

ClinVar aggregate classification (germline): Uncertain significance (1 of 4 stars; one submission).

Conditions:
Hereditary cancer-predisposing syndrome. Also called: Neoplastic Syndromes, Hereditary; Tumor predisposition; Hereditary Cancer Syndrome; Hereditary neoplastic syndrome. Identifiers: Orphanet 140162, MedGen C0027672, MeSH D009386, MONDO:0015356.

Submission:

Ambry Genetics
Classification: Uncertain significance for Hereditary cancer-predisposing syndrome. Last evaluated: 2026-05-19. Review status: criteria provided, single submitter. Criteria: Ambry Variant Classification Scheme 2023. Collection method: clinical testing. Allele origin: germline.
Comment: The c.1950_1952delGGA variant (also known as p.E650del) is located in coding exon 14 of the APC gene. This variant results from an in-frame GGA deletion at nucleotide positions 1950 to 1952. This results in the in-frame deletion of a glutamic acid at codon 650. This variant was reported in individual(s) with features consistent with APC-related familial adenomatous polyposis (Ambry internal data). This amino acid position is highly conserved in available vertebrate species. In addition, this variant is predicted to be deleterious by in silico analysis (Choi Y et al. PLoS ONE. 2012; 7(10):e46688). Based on the available evidence, the clinical significance of this variant remains unclear.